The following is an entry in ClinVar:

ClinVar aggregate classification (germline): Conflicting classifications of pathogenicity. Review status: criteria provided, conflicting classifications (1 of 4 stars). 7 submissions from 7 submitters: Pathogenic (2); Likely pathogenic (2); Uncertain significance (1). 2 of the submissions do not count toward it. Last evaluated 2025-04-25.

Conditions:
MERTK-related disorder. Also called: MERTK-related condition.
Retinitis pigmentosa (RP). Identifiers: Orphanet 791, MedGen C0035334, MeSH D012174, MONDO:0019200, OMIM 268000. Inheritance: Autosomal dominant, autosomal recessive and X linked inheritance.
Retinitis pigmentosa 38 (RP38). Also called: ROD-CONE DYSTROPHY, CHILDHOOD-ONSET. Identifiers: Orphanet 791, MedGen C3151228, MONDO:0013469, OMIM 613862.

Allele frequency attached by ClinVar (database versions not stated): gnomAD exomes 0.00001.
gnomAD v4.1: 19 of 1,614,056 alleles (0.0012%); highest among the groups gnomAD compares: Middle Eastern, 0.033%; no homozygotes.

Submissions (7):

3billion
Classification: Likely pathogenic for Retinitis pigmentosa 38. Last evaluated: 2025-04-25. Review status: criteria provided, single submitter. Criteria: ACMG Guidelines, 2015. Collection method: clinical testing. Allele origin: germline. Affected: yes.

First Genomix Gene Laboratory, Genetic Diagnostics Department
Classification: Likely pathogenic for Retinitis pigmentosa 38. Last evaluated: 2025-01-16. Review status: criteria provided, single submitter. Criteria: ACMG Guidelines, 2015. Collection method: clinical testing. Allele origin: germline. Inheritance: Autosomal recessive inheritance. Affected: no. Observed: 1 variant allele.

Labcorp Genetics (formerly Invitae), Labcorp
Classification: Pathogenic. Last evaluated: 2022-02-01. Review status: criteria provided, single submitter. Criteria: Invitae Variant Classification Sherloc (09022015). Collection method: clinical testing. Allele origin: germline.
Comment: This sequence change affects codon 484 of the MERTK mRNA. It is a 'silent' change, meaning that it does not change the encoded amino acid sequence of the MERTK protein. This variant also falls at the last nucleotide of exon 9, which is part of the consensus splice site for this exon. This variant is present in population databases (rs527236084, gnomAD 0.01%). This variant has been observed in individual(s) with inherited retinal dystrophy (PMID: 24265693, 25324289, 32036094, 33353011). In at least one individual the data is consistent with being in trans (on the opposite chromosome) from a pathogenic variant. ClinVar contains an entry for this variant (Variation ID: 143138). Algorithms developed to predict the effect of missense changes on protein structure and function output the following: SIFT: "Tolerated"; PolyPhen-2: "Benign"; Align-GVGD: "Class C0". The serine amino acid residue is found in multiple mammalian species, which suggests that this missense change does not adversely affect protein function. Variants that disrupt the consensus splice site are a relatively common cause of aberrant splicing (PMID: 17576681, 9536098). Algorithms developed to predict the effect of sequence changes on RNA splicing suggest that this variant may disrupt the consensus splice site. For these reasons, this variant has been classified as Pathogenic.

Blueprint Genetics
Classification: Pathogenic for MERTK-related disorders. Last evaluated: 2019-04-25. Review status: criteria provided, single submitter. Criteria: ACMG Guidelines, 2015. Collection method: clinical testing. Allele origin: germline. Affected: yes. Observed: 3 variant alleles.

Genomic Research Center, Shahid Beheshti University of Medical Sciences
Classification: Uncertain significance for Retinitis pigmentosa 38. Last evaluated: 2018-03-05. Review status: criteria provided, single submitter. Criteria: ACMG Guidelines, 2015. Collection method: clinical testing. Allele origin: inherited. Affected: no. Observed: 1 variant allele.

Department of Clinical Genetics, Copenhagen University Hospital, Rigshospitalet
Classification: Likely pathogenic for Retinitis pigmentosa. Last evaluated: 2018-04-01. Review status: no assertion criteria provided. Collection method: research. Allele origin: unknown. Affected: yes. Study: VeluxRD. Not counted in ClinVar's aggregate classification.

Department of Ophthalmology and Visual Sciences Kyoto University
Classification: Likely pathogenic for Retinitis pigmentosa. Review status: no assertion criteria provided. Collection method: not provided. Allele origin: unknown. Not counted in ClinVar's aggregate classification.
ClinVar note: Converted during submission from probable-pathogenic to Likely pathogenic.

Literature cited by the submitters: PubMed 33353011 (cited by 3billion and Labcorp Genetics (formerly Invitae), Labcorp); PubMed 24265693 (cited by 3billion and Labcorp Genetics (formerly Invitae), Labcorp); PubMed 25324289 (cited by Labcorp Genetics (formerly Invitae), Labcorp); PubMed 32036094 (cited by Labcorp Genetics (formerly Invitae), Labcorp); PubMed 17576681 (cited by Labcorp Genetics (formerly Invitae), Labcorp); PubMed 9536098 (cited by Labcorp Genetics (formerly Invitae), Labcorp); PubMed 30718709 (cited by Department of Clinical Genetics, Copenhagen University Hospital, Rigshospitalet).

NM_006343.3(MERTK):c.1450G>A (p.Gly484Ser)

Gene: MERTK (MER proto-oncogene, tyrosine kinase; plus strand). Cytogenetic location: 2q13.
Variant type: single nucleotide variant.
Coding change: c.1450G>A on transcript NM_006343.3 (MANE Select); coding-DNA position 1450, G replaced by A.
Protein change: p.Gly484Ser; replaces glycine 484 with serine.
Molecular consequence: missense variant.
Genome position (GRCh38, 1-based): chr2:111,994,404, G>A. VCF-style: chr2-111994404-G-A. GRCh37 (hg19) VCF-style: chr2-112751981-G-A.
Other names: short protein forms G484S.
Identifiers: ClinVar variation 143138 (VCV000143138.14), dbSNP rs527236084, ClinGen allele CA270098.